The following is an entry in ClinVar:

ClinVar aggregate classification (germline): Uncertain significance (1 of 4 stars; one submission).

Conditions:
Dextro-looped transposition of the great arteries. Also called: Dextrotransposition of the great arteries. Identifiers: Orphanet 860, MedGen C3531771, MONDO:0019443, OMIM 608808, HP:0031348.

Submission:

Labcorp Genetics (formerly Invitae), Labcorp
Classification: Uncertain significance for Dextro-looped transposition of the great arteries. Last evaluated: 2025-08-18. Review status: criteria provided, single submitter. Criteria: Invitae Variant Classification Sherloc (09022015). Collection method: clinical testing. Allele origin: germline.
Comment: This sequence change replaces proline, which is neutral and non-polar, with serine, which is neutral and polar, at codon 573 of the MED13L protein (p.Pro573Ser). This variant is not present in population databases (gnomAD no frequency). This variant has not been reported in the literature in individuals affected with MED13L-related conditions. Invitae Evidence Modeling of protein sequence and biophysical properties (such as structural, functional, and spatial information, amino acid conservation, physicochemical variation, residue mobility, and thermodynamic stability) indicates that this missense variant is not expected to disrupt MED13L protein function with a negative predictive value of 80%. In summary, the available evidence is currently insufficient to determine the role of this variant in disease. Therefore, it has been classified as a Variant of Uncertain Significance.

NM_015335.5(MED13L):c.1717C>T (p.Pro573Ser)

Gene: MED13L (mediator complex subunit 13L; minus strand). Cytogenetic location: 12q24.21.
Variant type: single nucleotide variant.
Coding change: c.1717C>T on transcript NM_015335.5 (MANE Select); coding-DNA position 1717, C replaced by T.
Protein change: p.Pro573Ser; replaces proline 573 with serine.
Molecular consequence: missense variant.
Genome position (GRCh38, 1-based): chr12:116,008,696, G>A on the plus strand (C>T on the coding strand, the complement: MED13L is on the minus strand). VCF-style: chr12-116008696-G-A. GRCh37 (hg19) VCF-style: chr12-116446501-G-A.
Other names: short protein forms P573S.
Identifiers: ClinVar variation 4812212 (VCV004812212.1).